The following is an entry in ClinVar:

NM_000318.3(PEX2):c.*233C>G

Gene: PEX2 (peroxisomal biogenesis factor 2; minus strand). Cytogenetic location: 8q21.13.
Variant type: single nucleotide variant.
Coding change: c.*233C>G on transcript NM_000318.3 (MANE Select); 233 bases downstream of the stop codon, C replaced by G.
Molecular consequence: 3 prime UTR variant.
Genome position (GRCh38, 1-based): chr8:76,983,028, G>C on the plus strand (C>G on the coding strand, the complement: PEX2 is on the minus strand). VCF-style: chr8-76983028-G-C. GRCh37 (hg19) VCF-style: chr8-77895264-G-C.
Other names: c.*233C>G (NM_001079867.2, NM_001172086.2, NM_001172087.2).
Identifiers: ClinVar variation 363811 (VCV000363811.5), dbSNP rs190595998, ClinGen allele CA10631621.

ClinVar aggregate classification (germline): Likely benign (1 of 4 stars; one submission).

Conditions:
Peroxisome biogenesis disorder 5A (Zellweger) (PBD5A). Identifiers: Orphanet 912, MedGen C3553940, MONDO:0013932, OMIM 614866.

Allele frequency attached by ClinVar (database versions not stated): gnomAD 0.00046 and 0.00058; TOPMed 0.00077; 1000 Genomes Project 30x 0.00250; 1000 Genomes Project 0.00280.
gnomAD v4.1: 469 of 1,190,540 alleles (0.039%); highest among the groups gnomAD compares: East Asian, 1.2%; 1 homozygote.

Submission:

Illumina Laboratory Services, Illumina
Classification: Likely benign for Peroxisome biogenesis disorder 5A (Zellweger). Last evaluated: 2018-01-12. Review status: criteria provided, single submitter. Criteria: ICSL Variant Classification Criteria 13 December 2019. Collection method: clinical testing. Allele origin: germline.
Comment: This variant was observed in the ICSL laboratory as part of a predisposition screen in an ostensibly healthy population. It had not been previously curated by ICSL or reported in the Human Gene Mutation Database (HGMD: prior to June 1st, 2018), and was therefore a candidate for classification through an automated scoring system. Utilizing variant allele frequency, disease prevalence and penetrance estimates, and inheritance mode, an automated score was calculated to assess if this variant is too frequent to cause the disease. Based on the score and internal cut-off values, a variant classified as likely benign is not then subjected to further curation. The score for this variant resulted in a classification of likely benign for this disease.